The following is an entry in ClinVar:

NM_004984.4(KIF5A):c.2781C>T (p.Tyr927=)

Gene: KIF5A (kinesin family member 5A; plus strand). Cytogenetic location: 12q13.3.
Variant type: single nucleotide variant.
Coding change: c.2781C>T on transcript NM_004984.4 (MANE Select); coding-DNA position 2781, C replaced by T.
Protein change: p.Tyr927=; no amino-acid change (tyrosine 927 retained).
Molecular consequence: synonymous variant.
Genome position (GRCh38, 1-based): chr12:57,581,440, C>T. VCF-style: chr12-57581440-C-T. GRCh37 (hg19) VCF-style: chr12-57975223-C-T.
Other names: c.2514C>T, p.Tyr838= (NM_001354705.2).
Identifiers: ClinVar variation 1672052 (VCV001672052.40), dbSNP rs767928175, ClinGen allele CA6653215.
Genomic context (GRCh38, chr12:57,581,440, plus strand): 5'-AGCCTCCTCATGGTTGTTTTCTTTCTTTATTGCAGCCAAACCCGTCCGGCCTGGCCACTA[C>T]CCAGCATCCTCACCCACCAACCCCTATGGCACCCGGAGCCCTGAGTGCATCAGTTACACC-3'
Protein context (NP_004975.2, residues 917-937): QIAKPVRPGH[Tyr927=]PASSPTNPYG

ClinVar aggregate classification (germline): Likely benign. Review status: criteria provided, multiple submitters, no conflicts (2 of 4 stars). 3 submissions from 3 submitters: Likely benign (3). Last evaluated 2025-10-13.

Conditions:
Spastic paraplegia. Identifiers: MedGen C0037772, HP:0001258.

Allele frequency attached by ClinVar (database versions not stated): TOPMed 0.00001; gnomAD exomes 0.00002; gnomAD 0.00003 and 0.00004; ExAC 0.00004.
gnomAD v4.1: 33 of 1,613,936 alleles (0.002%); highest among the groups gnomAD compares: Middle Eastern, 0.016%; no homozygotes.

Submissions (3):

Labcorp Genetics (formerly Invitae), Labcorp
Classification: Likely benign for Spastic paraplegia. Last evaluated: 2025-10-13. Review status: criteria provided, single submitter. Criteria: Invitae Variant Classification Sherloc (09022015). Collection method: clinical testing. Allele origin: germline.

CeGaT Center for Human Genetics Tuebingen
Classification: Likely benign. Last evaluated: 2022-06-01. Review status: criteria provided, single submitter. Criteria: CeGaT Center For Human Genetics Tuebingen Variant Classification Criteria Version 2. Collection method: clinical testing. Allele origin: germline. Affected: yes. Observed: 1 variant allele.
Comment: KIF5A: BP4, BP7

Blueprint Genetics
Classification: Likely benign. Last evaluated: 2020-05-29. Review status: criteria provided, single submitter. Criteria: ACMG Guidelines, 2015. Collection method: clinical testing. Allele origin: germline.